The following is an entry in ClinVar:

NM_001330260.2(SCN8A):c.4649T>C (p.Met1550Thr)

Gene: SCN8A (sodium voltage-gated channel alpha subunit 8; plus strand). Cytogenetic location: 12q13.13.
Variant type: single nucleotide variant.
Coding change: c.4649T>C on transcript NM_001330260.2 (MANE Select); coding-DNA position 4649, T replaced by C.
Protein change: p.Met1550Thr; replaces methionine 1550 with threonine.
Molecular consequence: missense variant.
Genome position (GRCh38, 1-based): chr12:51,794,495, T>C. VCF-style: chr12-51794495-T-C. GRCh37 (hg19) VCF-style: chr12-52188279-T-C.
Other names: c.4526T>C, p.Met1509Thr (NM_001177984.3, NM_001369788.1); c.4649T>C, p.Met1550Thr (NM_014191.4); short protein forms M1550T, M1509T.
Identifiers: ClinVar variation 3635207 (VCV003635207.2).

ClinVar aggregate classification (germline): Uncertain significance (1 of 4 stars; one submission).

Conditions:
Early-infantile DEE. Also called: Early infantile epileptic encephalopathy; Ohtahara syndrome; Early infantile epileptic encephalopathy with suppression bursts. Identifiers: Orphanet 1934, MedGen C0393706, MONDO:0800491.

Submission:

Labcorp Genetics (formerly Invitae), Labcorp
Classification: Uncertain significance for Early-infantile DEE. Last evaluated: 2025-04-08. Review status: criteria provided, single submitter. Criteria: Invitae Variant Classification Sherloc (09022015). Collection method: clinical testing. Allele origin: germline.
Comment: This sequence change replaces methionine, which is neutral and non-polar, with threonine, which is neutral and polar, at codon 1550 of the SCN8A protein (p.Met1550Thr). This variant is not present in population databases (gnomAD no frequency). This variant has not been reported in the literature in individuals affected with SCN8A-related conditions. ClinVar contains an entry for this variant (Variation ID: 3635207). Invitae Evidence Modeling of protein sequence and biophysical properties (such as structural, functional, and spatial information, amino acid conservation, physicochemical variation, residue mobility, and thermodynamic stability) indicates that this missense variant is not expected to disrupt SCN8A protein function with a negative predictive value of 95%. In summary, the available evidence is currently insufficient to determine the role of this variant in disease. Therefore, it has been classified as a Variant of Uncertain Significance.